The following is an entry in ClinVar:

ClinVar aggregate classification (germline): Uncertain significance. Review status: criteria provided, multiple submitters, no conflicts (2 of 4 stars). 6 submissions from 5 submitters: Uncertain significance (6). Last evaluated 2026-06-15.

Conditions:
RASopathy. Also called: Noonan spectrum disorder; rasopathies. Identifiers: Orphanet 536391, MedGen C5555857, MONDO:0021060.
Fibromatosis, gingival, 1 (GINGF1). Identifiers: Orphanet 2024, MedGen C4551558, MONDO:0007609, OMIM 135300.
Noonan syndrome 4 (NS4). Also called: SOS1-Related Noonan Syndrome; NOONAN SYNDROME WITH PIGMENTED VILLONODULAR SYNOVITIS. Identifiers: Orphanet 648, MedGen C1853120, MONDO:0012547, OMIM 610733.
Cardiovascular phenotype. Identifiers: MedGen CN230736.

Allele frequency attached by ClinVar (database versions not stated): TOPMed 0.00001.

Submissions (6):

Ambry Genetics
Classification: Uncertain significance for Cardiovascular phenotype. Last evaluated: 2026-06-15. Review status: criteria provided, single submitter. Criteria: Ambry Variant Classification Scheme 2023. Collection method: clinical testing. Allele origin: germline.
Comment: The p.I263T variant (also known as c.788T>C), located in coding exon 6 of the SOS1 gene, results from a T to C substitution at nucleotide position 788. The isoleucine at codon 263 is replaced by threonine, an amino acid with similar properties. This amino acid position is conserved. In addition, this alteration is predicted to be deleterious by in silico analysis. Based on the available evidence, the clinical significance of this variant remains unclear.

Labcorp Genetics (formerly Invitae), Labcorp
Classification: Uncertain significance for RASopathy. Last evaluated: 2024-10-04. Review status: criteria provided, single submitter. Criteria: Invitae Variant Classification Sherloc (09022015). Collection method: clinical testing. Allele origin: germline.
Comment: This sequence change replaces isoleucine, which is neutral and non-polar, with threonine, which is neutral and polar, at codon 263 of the SOS1 protein (p.Ile263Thr). This variant is not present in population databases (gnomAD no frequency). This variant has not been reported in the literature in individuals affected with SOS1-related conditions. ClinVar contains an entry for this variant (Variation ID: 452528). Invitae Evidence Modeling of protein sequence and biophysical properties (such as structural, functional, and spatial information, amino acid conservation, physicochemical variation, residue mobility, and thermodynamic stability) indicates that this missense variant is expected to disrupt SOS1 protein function with a positive predictive value of 80%. In summary, the available evidence is currently insufficient to determine the role of this variant in disease. Therefore, it has been classified as a Variant of Uncertain Significance.

Women's Health and Genetics/Laboratory Corporation of America, LabCorp
Classification: Uncertain significance. Last evaluated: 2020-11-23. Review status: criteria provided, single submitter. Criteria: LabCorp Variant Classification Summary - May 2015. Collection method: clinical testing. Allele origin: germline.
Comment: Variant summary: SOS1 c.788T>C (p.Ile263Thr) results in a non-conservative amino acid change located in the Dbl homology (DH) domain (IPR000219) of the encoded protein sequence. Five of five in-silico tools predict a damaging effect of the variant on protein function. The variant was absent in 251366 control chromosomes (gnomAD). The available data on variant occurrences in the general population are insufficient to allow any conclusion about variant significance. To our knowledge, no occurrence of c.788T>C in individuals affected with Noonan Syndrome and no experimental evidence demonstrating its impact on protein function have been reported. A ClinVar submitter (evaluation after 2014) cites the variant as uncertain significance. Based on the evidence outlined above, the variant was classified as uncertain significance.

GeneDx
Classification: Uncertain significance. Last evaluated: 2017-10-05. Review status: criteria provided, single submitter. Criteria: GeneDx Variant Classification (06012015). Collection method: clinical testing. Allele origin: germline. Affected: yes.
Comment: The I263T variant in the SOS1 gene has not been reported previously as a pathogenic variant, nor as a benign variant, to our knowledge. The I263T variant is not observed in large population cohorts (Lek et al., 2016). The I263T variant is a non-conservative amino acid substitution, which is likely to impact secondary protein structure as these residues differ in polarity, charge, size and/or other properties. This substitution occurs at a position that is conserved across species. In silico analysis predicts this variant is probably damaging to the protein structure/function. We interpret I263T as a variant of uncertain significance.

Genome-Nilou Lab
Classification: Uncertain significance for Noonan syndrome 4. Review status: criteria provided, single submitter. Criteria: ACMG Guidelines, 2015. Collection method: clinical testing. Allele origin: germline.

Genome-Nilou Lab
Classification: Uncertain significance for Fibromatosis, gingival, 1. Review status: criteria provided, single submitter. Criteria: ACMG Guidelines, 2015. Collection method: clinical testing. Allele origin: germline.

NM_005633.4(SOS1):c.788T>C (p.Ile263Thr)

Gene: SOS1 (SOS Ras/Rac guanine nucleotide exchange factor 1; minus strand). Cytogenetic location: 2p22.1.
Variant type: single nucleotide variant.
Coding change: c.788T>C on transcript NM_005633.4 (MANE Select); coding-DNA position 788, T replaced by C.
Protein change: p.Ile263Thr; replaces isoleucine 263 with threonine.
Molecular consequence: missense variant.
Genome position (GRCh38, 1-based): chr2:39,051,220, A>G on the plus strand (T>C on the coding strand, the complement: SOS1 is on the minus strand). VCF-style: chr2-39051220-A-G. GRCh37 (hg19) VCF-style: chr2-39278361-A-G.
Other names: c.767T>C, p.Ile256Thr (NM_001382394.1); c.788T>C, p.Ile263Thr (NM_001382395.1); short protein forms I263T, I256T.
Identifiers: ClinVar variation 452528 (VCV000452528.10), dbSNP rs1310500908, ClinGen allele CA346367712.
Genomic context (GRCh38, chr2:39,051,220, plus strand): 5'-AAGCAGCTTCCTACTAGTGGATGGGGACTGCCTTCATCTGTCATTTCTACTGTATCTTCT[A>G]TATGGCCCAGTAACTTTACACTAAGTTCATGTATATCTACTATGCGACTAAATATATTTT-3'
Protein context (NP_005624.2, residues 253-273): HELSVKLLGH[Ile263Thr]EDTVEMTDEG